The following is an entry in ClinVar:

NM_000064.4(C3):c.3089A>C (p.Glu1030Ala)

Gene: C3 (complement C3; minus strand). Cytogenetic location: 19p13.3.
Variant type: single nucleotide variant.
Coding change: c.3089A>C on transcript NM_000064.4 (MANE Select); coding-DNA position 3089, A replaced by C.
Protein change: p.Glu1030Ala; replaces glutamic acid 1030 with alanine.
Molecular consequence: missense variant.
Genome position (GRCh38, 1-based): chr19:6,694,496, T>G on the plus strand (A>C on the coding strand, the complement: C3 is on the minus strand). VCF-style: chr19-6694496-T-G. GRCh37 (hg19) VCF-style: chr19-6694507-T-G.
Other names: short protein forms E1030A.
Identifiers: ClinVar variation 4280180 (VCV004280180.1).
Genomic context (GRCh38, chr19:6,694,496, plus strand): 5'-TTGATGAGCTCCAAGGCCCCCTGCCGCTTCTCTAGGCCGAACTTCTCCCACTGCTCCGTT[T>G]CATCCAGGTAATGCACAGCGATGACCGTGGGCGTCATGCCGATCATGTTCTGTTCCCCGC-3'
Protein context (NP_000055.2, residues 1020-1040): PTVIAVHYLD[Glu1030Ala]TEQWEKFGLE

ClinVar aggregate classification (germline): Uncertain significance (1 of 4 stars; one submission).

Conditions:
Complement component 3 deficiency. Identifiers: Orphanet 280133, MedGen C3151071, MONDO:0013417, OMIM 613779.
C3 glomerulonephritis. Also called: Nephropathy due to CFHR5 Deficiency; C3 GLOMERULOPATHY 3. Identifiers: Orphanet 329931, MedGen C4055342, MONDO:0013892, OMIM 614809.
Atypical hemolytic-uremic syndrome. Identifiers: Orphanet 2134, MedGen C2931788, MONDO:0016244.

Submission:

Genomenon, Inc
Classification: Uncertain significance for Complement component 3 deficiency; C3 glomerulonephritis; Atypical hemolytic-uremic syndrome. Last evaluated: 2025-09-30. Review status: criteria provided, single submitter. Criteria: Genomenon Sequence Variant Interpretation Standards. Collection method: curation. Allele origin: germline. Affected: no.
Comment: C3 p.Glu1030Ala (c.3089A>C) is a missense variant that changes the amino acid at residue 1030 from Glutamic acid to Alanine. This variant has been reported in the published literature (PMID:20951140;21285368;20083651;11034390;20091675;25628052;17434528;15187133). It is absent or not present at a significant frequency in gnomAD. In silico models agree that this variant is not damaging. In conclusion, we classify C3 p.Glu1030Ala (c.3089A>C) as a variant of unknown significance.

Literature cited by the submitters: PubMed 20951140; PubMed 21285368; PubMed 20083651; PubMed 11034390; PubMed 20091675; PubMed 25628052; PubMed 17434528; PubMed 15187133.